The following is an entry in ClinVar:

ClinVar aggregate classification (germline): Pathogenic/Likely pathogenic. Review status: criteria provided, multiple submitters, no conflicts (2 of 4 stars). 2 submissions from 2 submitters: Pathogenic (1); Likely pathogenic (1). Last evaluated 2023-01-05.

Conditions:
Multiple acyl-CoA dehydrogenase deficiency (MADD). Also called: Glutaric Acidemia type 2; Glutaric aciduria, type 2; Glutaric acidemia type II; GA 2; ETHYLMALONIC-ADIPICACIDURIA; GA II. Identifiers: Orphanet 26791, MedGen C0268596, MONDO:0009282, OMIM 231680.

Submissions (2):

Baylor Genetics
Classification: Likely pathogenic for Multiple acyl-CoA dehydrogenase deficiency. Last evaluated: 2023-01-05. Review status: criteria provided, single submitter. Criteria: ACMG Guidelines, 2015. Collection method: clinical testing. Allele origin: unknown.

Labcorp Genetics (formerly Invitae), Labcorp
Classification: Pathogenic for Multiple acyl-CoA dehydrogenase deficiency. Last evaluated: 2022-10-27. Review status: criteria provided, single submitter. Criteria: Invitae Variant Classification Sherloc (09022015). Collection method: clinical testing. Allele origin: germline.
Comment: This sequence change creates a premature translational stop signal (p.Leu95Phefs*34) in the ETFA gene. It is expected to result in an absent or disrupted protein product. Loss-of-function variants in ETFA are known to be pathogenic (PMID: 16510302, 23785301). This variant is not present in population databases (gnomAD no frequency). This variant has not been reported in the literature in individuals affected with ETFA-related conditions. For these reasons, this variant has been classified as Pathogenic.

Literature cited by the submitters: PubMed 16510302 (cited by Labcorp Genetics (formerly Invitae), Labcorp); PubMed 23785301 (cited by Labcorp Genetics (formerly Invitae), Labcorp).

NM_000126.4(ETFA):c.284dup (p.Leu95fs)

Gene: ETFA (electron transfer flavoprotein subunit alpha; minus strand). Cytogenetic location: 15q24.2.
Variant type: Duplication.
Coding change: c.284dup on transcript NM_000126.4 (MANE Select); coding-DNA position 284, one base duplicated (T; older notation c.284dupT).
Protein change: p.Leu95fs; shifts the reading frame from leucine 95.
Molecular consequence: frameshift variant.
Genome position (GRCh38, 1-based): chr15:76,292,498, A duplicated on the plus strand (T on the coding strand, the reverse complement: ETFA is on the minus strand); the first of 2 consecutive A bases (chr15:76,292,498-76,292,499); duplicating either gives the same sequence. VCF-style (leftmost placement, unchanged base first): chr15-76292497-C-CA. GRCh37 (hg19) VCF-style: chr15-76584838-C-CA.
Other names: c.137dup, p.Leu46fs (NM_001127716.2); short protein forms L46fs, L95fs.
Identifiers: ClinVar variation 2058011 (VCV002058011.5), dbSNP rs2039775823, ClinGen allele CA2188526258.